The following is an entry in ClinVar:

ClinVar aggregate classification (germline): Uncertain significance (1 of 4 stars; one submission).

Conditions:
Aortic aneurysm, familial thoracic 4 (AAT4). Also called: AORTIC ANEURYSM/AORTIC DISSECTION AND PATENT DUCTUS ARTERIOSUS. Identifiers: MedGen C1851504, MONDO:0007568, OMIM 132900.

Allele frequency attached by ClinVar (database versions not stated): gnomAD exomes below 0.00001.
gnomAD v4.1: 1 of 1,609,196 alleles (0.000062%); highest among the groups gnomAD compares: Non-Finnish European, 0.000085%; no homozygotes.

Submission:

Labcorp Genetics (formerly Invitae), Labcorp
Classification: Uncertain significance for Aortic aneurysm, familial thoracic 4. Last evaluated: 2023-09-25. Review status: criteria provided, single submitter. Criteria: Invitae Variant Classification Sherloc (09022015). Collection method: clinical testing. Allele origin: germline.
Comment: In summary, the available evidence is currently insufficient to determine the role of this variant in disease. Therefore, it has been classified as a Variant of Uncertain Significance. Variants that disrupt the consensus splice site are a relatively common cause of aberrant splicing (PMID: 17576681, 9536098). Algorithms developed to predict the effect of sequence changes on RNA splicing suggest that this variant is not likely to affect RNA splicing. This sequence change falls in intron 25 of the MYH11 gene. It does not directly change the encoded amino acid sequence of the MYH11 protein. It affects a nucleotide within the consensus splice site. This variant is not present in population databases (gnomAD no frequency). This variant has not been reported in the literature in individuals affected with MYH11-related conditions.

Literature cited by the submitters: PubMed 17576681; PubMed 9536098.

NM_002474.3(MYH11):c.3121+6C>T

Gene: MYH11 (myosin heavy chain 11; minus strand). Cytogenetic location: 16p13.11.
Variant type: single nucleotide variant.
Coding change: c.3121+6C>T on transcript NM_002474.3 (MANE Select); 6 bases into the intron after coding-DNA position 3121, C replaced by T.
Molecular consequence: intron variant.
Genome position (GRCh38, 1-based): chr16:15,738,559, G>A on the plus strand (C>T on the coding strand, the complement: MYH11 is on the minus strand). VCF-style: chr16-15738559-G-A. GRCh37 (hg19) VCF-style: chr16-15832416-G-A.
Other names: c.3121+6C>T (NM_022844.3); c.3142+6C>T (NM_001040114.2, NM_001040113.2).
Identifiers: ClinVar variation 3001356 (VCV003001356.3), dbSNP rs2506191499, ClinGen allele CA2631943961.